The following is an entry in ClinVar:

ClinVar aggregate classification (germline): Uncertain significance (1 of 4 stars; one submission).

Conditions:
Von Hippel-Lindau syndrome (VHLS). Also called: von Hippel–Lindau syndrome; VHL syndrome; Von Hippel-Lindau. Identifiers: Orphanet 892, MedGen C0019562, MONDO:0008667, OMIM 193300. Disease mechanism: loss of function.
Chuvash polycythemia. Also called: POLYCYTHEMIA, VHL-DEPENDENT. Identifiers: Orphanet 238557, MedGen C1837915, MONDO:0009892, OMIM 263400.

Submission:

Labcorp Genetics (formerly Invitae), Labcorp
Classification: Uncertain significance for Von Hippel-Lindau syndrome; Chuvash polycythemia. Last evaluated: 2024-10-23. Review status: criteria provided, single submitter. Criteria: Invitae Variant Classification Sherloc (09022015). Collection method: clinical testing. Allele origin: germline.
Comment: This sequence change falls in intron 1 of the VHL gene. It is not expected to change the encoded amino acid sequence of the VHL protein. However, this sequence change falls within a cryptic exon in the VHL gene, known as exon E1’, which is naturally expressed at low levels in several human tissues (PMID: 29891534). This variant is not present in population databases (gnomAD no frequency). This variant has not been reported in the literature in individuals affected with VHL-related conditions. ClinVar contains an entry for this variant (Variation ID: 948841). Algorithms developed to predict the effect of sequence changes on RNA splicing suggest that this variant is not likely to affect RNA splicing. In summary, the available evidence is currently insufficient to determine the role of this variant in disease. Therefore, it has been classified as a Variant of Uncertain Significance.

Literature cited by the submitters: PubMed 29891534.

NM_000551.4(VHL):c.340+756G>C

Genes: VHL (von Hippel-Lindau tumor suppressor; plus strand), LOC107303340 (3p25 von Hippel-Lindau tumor suppressor, E3 ubiquitin protein ligase Alu-mediated recombination region; plus strand). Cytogenetic location: 3p25.3.
Variant type: single nucleotide variant.
Coding change: c.340+756G>C on transcript NM_000551.4 (MANE Select); 756 bases into the intron after coding-DNA position 340, G replaced by C.
Molecular consequence: intron variant. On other transcripts: missense variant (1).
Genome position (GRCh38, 1-based): chr3:10,142,943, G>C. VCF-style: chr3-10142943-G-C. GRCh37 (hg19) VCF-style: chr3-10184627-G-C.
Other names: c.521G>C, p.Cys174Ser (NM_001354723.2); c.340+756G>C (NM_198156.3); short protein forms C174S.
Identifiers: ClinVar variation 948841 (VCV000948841.10), dbSNP rs1696163184, ClinGen allele CA1139655744.
Genomic context (GRCh38, chr3:10,142,943, plus strand): 5'-GAGCCGACCGTGTGTGGCGTGGGAAATTGACTTACCTGCCTGCTGGGAGATGGAGGGGTT[G>C]CGGTTGTGTGGTTTCAGTTAAGGAGCACTTCCCGGAGAAGGAAGAGAGCAGGATGGAGTA-3'